The following is an entry in ClinVar:

ClinVar aggregate classification (germline): Pathogenic/Likely pathogenic. Review status: criteria provided, multiple submitters, no conflicts (2 of 4 stars). 8 submissions from 8 submitters: Pathogenic (1); Likely pathogenic (6). 1 of the submissions does not count toward it. Last evaluated 2026-02-18.

Conditions:
Fanconi anemia complementation group P. Also called: SLX4-Related Fanconi Anemia. Identifiers: Orphanet 84, MedGen C3469542, MONDO:0013499, OMIM 613951.
SLX4-related disorder. Also called: SLX4-related condition.
Fanconi anemia (FA). Also called: Fanconi's anemia. Identifiers: Orphanet 84, MedGen C0015625, MeSH D005199, MONDO:0019391.

Allele frequency attached by ClinVar (database versions not stated): ExAC 0.00003; gnomAD 0.00003; gnomAD exomes 0.00003; TOPMed 0.00003.

Submissions (8):

Dasa
Classification: Likely pathogenic. Last evaluated: 2026-02-18. Review status: criteria provided, single submitter. Criteria: DASA Assertion Criteria. Collection method: clinical testing. Allele origin: germline.
Comment: NM_032444.4(SLX4):c.4089_4090del (p.Asp1365Profs*26) is a frameshift variant in SLX4 predicted to alter the reading frame and introduce a premature termination codon and is predicted to result in an absent or altered protein product. Loss of function is an established disease mechanism for SLX4-associated disorders. Published studies describe this variant in association with related phenotype (PMID: 31300551). Also, this variant is rare in population databases. Based on the currently available evidence, this variant is classified as likely pathogenic.

Labcorp Genetics (formerly Invitae), Labcorp
Classification: Pathogenic for Fanconi anemia. Last evaluated: 2025-09-15. Review status: criteria provided, single submitter. Criteria: Invitae Variant Classification Sherloc (09022015). Collection method: clinical testing. Allele origin: germline.
Comment: This sequence change creates a premature translational stop signal (p.Asp1365Profs*26) in the SLX4 gene. It is expected to result in an absent or disrupted protein product. Loss-of-function variants in SLX4 are known to be pathogenic (PMID: 21240277). This variant is present in population databases (rs748930384, gnomAD 0.005%). This premature translational stop signal has been observed in individual(s) with ovarian and/or breast cancer (PMID: 31300551). ClinVar contains an entry for this variant (Variation ID: 929605). For these reasons, this variant has been classified as Pathogenic.

Fulgent Genetics
Classification: Likely pathogenic for Fanconi anemia complementation group P. Last evaluated: 2024-02-08. Review status: criteria provided, single submitter. Criteria: ACMG Guidelines, 2015. Collection method: clinical testing. Allele origin: germline.

CeGaT Center for Human Genetics Tuebingen
Classification: Likely pathogenic. Last evaluated: 2023-08-01. Review status: criteria provided, single submitter. Criteria: CeGaT Center For Human Genetics Tuebingen Variant Classification Criteria Version 2. Collection method: clinical testing. Allele origin: germline. Affected: yes. Observed: 1 variant allele.
Comment: SLX4: PVS1

GeneDx
Classification: Likely pathogenic. Last evaluated: 2022-01-10. Review status: criteria provided, single submitter. Criteria: GeneDx Variant Classification Process June 2021. Collection method: clinical testing. Allele origin: germline. Affected: yes.
Comment: Frameshift variant predicted to result in protein truncation or nonsense mediated decay in a gene for which loss-of-function is a known mechanism of disease; Identified in individuals with a personal history of breast cancer, one of which also had a personal history of ovarian cancer and also harbored a pathogenic PALB2 variant (Fostira 2020); This variant is associated with the following publications: (PMID: 31300551, 34308104)

Blueprint Genetics
Classification: Likely pathogenic for SLX4-related disorders. Last evaluated: 2021-01-09. Review status: criteria provided, single submitter. Criteria: ACMG Guidelines, 2015. Collection method: clinical testing. Allele origin: germline. Affected: yes. Observed: 2 variant alleles.

Juno Genomics, Hangzhou Juno Genomics, Inc
Classification: Likely pathogenic for Fanconi anemia complementation group P. Review status: criteria provided, single submitter. Criteria: ACMG Guidelines, 2015. Collection method: clinical testing. Allele origin: germline.
Comment: Null variant in a gene where loss of function (LOF) is a known mechanism of disease.;Absent from controls (or at extremely low frequency if recessive) in Genome Aggregation Database.

Leiden Open Variation Database
Classification: Pathogenic. Last evaluated: 2019-12-23. Review status: no assertion criteria provided. Collection method: curation. Allele origin: germline. Affected: yes. Not counted in ClinVar's aggregate classification.
Comment: Curator: Arleen D. Auerbach. Submitter to LOVD: Florentia Fostira.

Literature cited by the submitters: PubMed 31300551 (cited by 3 submitters); PubMed 21240277 (cited by Labcorp Genetics (formerly Invitae), Labcorp).

NM_032444.4(SLX4):c.4089_4090del (p.Asp1365fs)

Gene: SLX4 (SLX4 structure-specific endonuclease subunit; minus strand). Cytogenetic location: 16p13.3.
Variant type: Deletion.
Coding change: c.4089_4090del on transcript NM_032444.4 (MANE Select); coding-DNA positions 4089 to 4090, 2 bases deleted (AG; older notation c.4089_4090delAG).
Protein change: p.Asp1365fs; shifts the reading frame from aspartic acid 1365.
Molecular consequence: frameshift variant.
Genome position (GRCh38, 1-based): chr16:3,589,548-3,589,549, CT deleted on the plus strand (AG on the coding strand, the reverse complement: SLX4 is on the minus strand). VCF-style (leftmost placement, unchanged base first): chr16-3589547-CCT-C. GRCh37 (hg19) VCF-style: chr16-3639548-CCT-C.
Other names: short protein forms D1365fs.
Identifiers: ClinVar variation 929605 (VCV000929605.39), dbSNP rs748930384, ClinGen allele CA7865738.